The following is an entry in ClinVar:

ClinVar aggregate classification (germline): Uncertain significance (1 of 4 stars; one submission).

Allele frequency attached by ClinVar (database versions not stated): 1000 Genomes Project 0.00020.
gnomAD v4.1: 104 of 765,140 alleles (0.014%); highest among the groups gnomAD compares: Admixed American, 0.039%; no homozygotes.

Submission:

Labcorp Genetics (formerly Invitae), Labcorp
Classification: Uncertain significance. Last evaluated: 2022-06-05. Review status: criteria provided, single submitter. Criteria: Invitae Variant Classification Sherloc (09022015). Collection method: clinical testing. Allele origin: germline.
Comment: In summary, the available evidence is currently insufficient to determine the role of this variant in disease. Therefore, it has been classified as a Variant of Uncertain Significance. Experimental studies and prediction algorithms are not available or were not evaluated, and the functional significance of this variant is currently unknown. ClinVar contains an entry for this variant (Variation ID: 1512022). This variant has not been reported in the literature in individuals affected with SNORD118-related conditions. This variant is present in population databases (rs539261856, gnomAD 0.04%). This variant occurs in the SNORD118 gene, which encodes an RNA molecule that does not result in a protein product.

NR_033294.2(SNORD118):n.38G>C

Genes: SNORD118 (small nucleolar RNA, C/D box 118; minus strand), TMEM107 (transmembrane protein 107; minus strand). Cytogenetic location: 17p13.1.
Variant type: single nucleotide variant.
Molecular consequence: non-coding transcript variant (on NR_033294.2). On other transcripts: 3 prime UTR variant (5).
Genome position: GRCh38 VCF-style: chr17-8173551-C-G. GRCh37 (hg19) VCF-style: chr17-8076869-C-G.
Other names: c.*652G>C (NM_001351278.2, NM_001351279.2, NM_001351280.2 and 2 more transcripts).
Identifiers: ClinVar variation 1512022 (VCV001512022.5), dbSNP rs539261856, ClinGen allele CA8370759.